The following is an entry in ClinVar:

ClinVar aggregate classification (germline): Uncertain significance. Review status: criteria provided, multiple submitters, no conflicts (2 of 4 stars). 2 submissions from 2 submitters: Uncertain significance (2). Last evaluated 2024-10-29.

Conditions:
Inborn genetic diseases. Identifiers: MedGen C0950123, MeSH D030342.

Allele frequency attached by ClinVar (database versions not stated): gnomAD exomes 0.00002 and 0.00004; TOPMed 0.00002; ExAC 0.00005; gnomAD 0.00002.
gnomAD v4.1: 24 of 1,547,964 alleles (0.0016%); highest among the groups gnomAD compares: Admixed American, 0.0098%; no homozygotes.

Submissions (3):

Labcorp Genetics (formerly Invitae), Labcorp
Classification: Uncertain significance. Last evaluated: 2024-10-29. Review status: criteria provided, single submitter. Criteria: Invitae Variant Classification Sherloc (09022015). Collection method: clinical testing. Allele origin: germline.
Comment: This sequence change replaces arginine, which is basic and polar, with glutamine, which is neutral and polar, at codon 1000 of the TRAPPC9 protein (p.Arg1000Gln). This variant is present in population databases (rs768169759, gnomAD 0.008%). This variant has not been reported in the literature in individuals affected with TRAPPC9-related conditions. ClinVar contains an entry for this variant (Variation ID: 1427849). An algorithm developed to predict the effect of missense changes on protein structure and function (PolyPhen-2) suggests that this variant is likely to be disruptive. In summary, the available evidence is currently insufficient to determine the role of this variant in disease. Therefore, it has been classified as a Variant of Uncertain Significance.

Ambry Genetics
Classification: Uncertain significance for Inborn genetic diseases. Last evaluated: 2022-11-11. Review status: criteria provided, single submitter. Criteria: Ambry Variant Classification Scheme 2023. Collection method: clinical testing. Allele origin: germline.

Dr. Peter K. Rogan Lab, Western University
No classification provided (evidence only). Condition: Sarcoma. Review status: no classification provided. Collection method: in vitro. Allele origin: not applicable. Functional consequence: retained intron. Not counted in ClinVar's aggregate classification.

NM_001160372.4(TRAPPC9):c.2705G>A (p.Arg902Gln)

Gene: TRAPPC9 (trafficking protein particle complex subunit 9; minus strand). Cytogenetic location: 8q24.3.
Variant type: single nucleotide variant.
Coding change: c.2705G>A on transcript NM_001160372.4 (MANE Select); coding-DNA position 2705, G replaced by A.
Protein change: p.Arg902Gln; replaces arginine 902 with glutamine.
Molecular consequence: missense variant. On other transcripts: non-coding transcript variant (1), intron variant (1).
Genome position (GRCh38, 1-based): chr8:139,988,831, C>T on the plus strand (G>A on the coding strand, the complement: TRAPPC9 is on the minus strand). VCF-style: chr8-139988831-C-T. GRCh37 (hg19) VCF-style: chr8-140999039-C-T.
Other names: c.2678G>A, p.Arg893Gln (NM_001321646.2); c.2726G>A, p.Arg909Gln (NM_001374682.1); c.2561G>A, p.Arg854Gln (NM_001374684.1); c.2705G>A, p.Arg902Gln (NM_031466.8); c.2699+35106G>A (NM_001374683.1); c.2999G>A (NM_031466.5); short protein forms R902Q, R893Q, R854Q, R909Q.
Identifiers: ClinVar variation 1427849 (VCV001427849.7), dbSNP rs768169759, ClinGen allele CA4892993.